The following is an entry in ClinVar:

NM_182961.4(SYNE1):c.12985G>A (p.Glu4329Lys)

Gene: SYNE1 (spectrin repeat containing nuclear envelope protein 1; minus strand). Cytogenetic location: 6q25.2.
Variant type: single nucleotide variant.
Coding change: c.12985G>A on transcript NM_182961.4 (MANE Select); coding-DNA position 12985, G replaced by A.
Protein change: p.Glu4329Lys; replaces glutamic acid 4329 with lysine.
Molecular consequence: missense variant.
Genome position (GRCh38, 1-based): chr6:152,331,700, C>T on the plus strand (G>A on the coding strand, the complement: SYNE1 is on the minus strand). VCF-style: chr6-152331700-C-T. GRCh37 (hg19) VCF-style: chr6-152652835-C-T.
Other names: c.12772G>A, p.Glu4258Lys (NM_033071.5); short protein forms E4258K, E4329K.
Identifiers: ClinVar variation 593970 (VCV000593970.11), dbSNP rs752661205, ClinGen allele CA150178365.

ClinVar aggregate classification (germline): Uncertain significance. Review status: criteria provided, multiple submitters, no conflicts (2 of 4 stars). 3 submissions from 3 submitters: Uncertain significance (3). Last evaluated 2025-06-05.

Conditions:
Emery-Dreifuss muscular dystrophy 4, autosomal dominant (EDMD4). Also called: EMERY-DREIFUSS MUSCULAR DYSTROPHY 4 WITH VARIABLE FEATURES. Identifiers: Orphanet 261, MedGen C2751807, MONDO:0013071, OMIM 612998.
Autosomal recessive ataxia, Beauce type. Also called: SYNE1-Related Autosomal Recessive Cerebellar Ataxia; Spinocerebellar ataxia, autosomal recessive 8; ATAXIA, RECESSIVE, OF BEAUCE; SYNE1 Deficiency. Identifiers: Orphanet 88644, MedGen C1853116, MONDO:0012549, OMIM 610743.

Allele frequency attached by ClinVar (database versions not stated): TOPMed below 0.00001; gnomAD 0.00001; gnomAD exomes 0.00002.
gnomAD v4.1: 19 of 1,614,102 alleles (0.0012%); highest among the groups gnomAD compares: Non-Finnish European, 0.0015%; no homozygotes.

Submissions (3):

Women's Health and Genetics/Laboratory Corporation of America, LabCorp
Classification: Uncertain significance. Last evaluated: 2025-06-05. Review status: criteria provided, single submitter. Criteria: LabCorp Variant Classification Summary - May 2015. Collection method: clinical testing. Allele origin: germline.
Comment: Variant summary: SYNE1 c.12772G>A (p.Glu4258Lys) results in a conservative amino acid change in the encoded protein sequence. Algorithms developed to predict the effect of missense changes on protein structure and function are either unavailable or do not agree on the potential impact of this missense change. The variant was absent in 251482 control chromosomes (gnomAD). The available data on variant occurrences in the general population are insufficient to allow any conclusion about variant significance. To our knowledge, no occurrence of c.12772G>A in individuals affected with Autosomal recessive ataxia, Beauce type and no experimental evidence demonstrating its impact on protein function have been reported. ClinVar contains an entry for this variant (Variation ID: 593970). Based on the evidence outlined above, the variant was classified as uncertain significance.

Labcorp Genetics (formerly Invitae), Labcorp
Classification: Uncertain significance for Emery-Dreifuss muscular dystrophy 4, autosomal dominant; Autosomal recessive ataxia, Beauce type. Last evaluated: 2022-02-22. Review status: criteria provided, single submitter. Criteria: Invitae Variant Classification Sherloc (09022015). Collection method: clinical testing. Allele origin: germline.
Comment: Algorithms developed to predict the effect of missense changes on protein structure and function are either unavailable or do not agree on the potential impact of this missense change (SIFT: "Deleterious"; PolyPhen-2: "Possibly Damaging"; Align-GVGD: "Class C15"). ClinVar contains an entry for this variant (Variation ID: 593970). This variant has not been reported in the literature in individuals affected with SYNE1-related conditions. This variant is not present in population databases (gnomAD no frequency). This sequence change replaces glutamic acid, which is acidic and polar, with lysine, which is basic and polar, at codon 4258 of the SYNE1 protein (p.Glu4258Lys). In summary, the available evidence is currently insufficient to determine the role of this variant in disease. Therefore, it has been classified as a Variant of Uncertain Significance.

Eurofins Ntd Llc (ga)
Classification: Uncertain significance. Last evaluated: 2017-09-08. Review status: criteria provided, single submitter. Criteria: EGL Classification Definitions 2015. Collection method: clinical testing. Allele origin: germline. Observed: 1 variant allele, 1 heterozygote.